The following is an entry in ClinVar:

ClinVar aggregate classification (germline): Likely benign. Review status: criteria provided, multiple submitters, no conflicts (2 of 4 stars). 3 submissions from 3 submitters: Likely benign (3). Last evaluated 2025-01-06.

Conditions:
Congenital factor V deficiency. Also called: LABILE FACTOR DEFICIENCY; OWREN PARAHEMOPHILIA; PARAHEMOPHILIA; Hereditary factor V deficiency disease. Identifiers: Orphanet 326, MedGen C0015499, MONDO:0009210, OMIM 227400.
Inborn genetic diseases. Identifiers: MedGen C0950123, MeSH D030342.

Allele frequency attached by ClinVar (database versions not stated): gnomAD exomes 0.00001; ExAC 0.00005; gnomAD 0.00017; TOPMed 0.00017; ESP Exome Variant Server 0.00031.
gnomAD v4.1: 44 of 1,614,106 alleles (0.0027%); highest among the groups gnomAD compares: African/African-American, 0.057%; no homozygotes.

Submissions (3):

Labcorp Genetics (formerly Invitae), Labcorp
Classification: Likely benign for Congenital factor V deficiency. Last evaluated: 2025-01-06. Review status: criteria provided, single submitter. Criteria: Invitae Variant Classification Sherloc (09022015). Collection method: clinical testing. Allele origin: germline.

CeGaT Center for Human Genetics Tuebingen
Classification: Likely benign. Last evaluated: 2024-07-01. Review status: criteria provided, single submitter. Criteria: CeGaT Center For Human Genetics Tuebingen Variant Classification Criteria Version 2. Collection method: clinical testing. Allele origin: germline. Affected: yes. Observed: 1 variant allele.
Comment: F5: BP4, BP7

Ambry Genetics
Classification: Likely benign for Inborn genetic diseases. Last evaluated: 2021-09-15. Review status: criteria provided, single submitter. Criteria: Ambry Variant Classification Scheme 2023. Collection method: clinical testing. Allele origin: germline.

NM_000130.5(F5):c.1920C>T (p.Thr640=)

Gene: F5 (coagulation factor V; minus strand). Cytogenetic location: 1q24.2.
Variant type: single nucleotide variant.
Coding change: c.1920C>T on transcript NM_000130.5 (MANE Select); coding-DNA position 1920, C replaced by T.
Protein change: p.Thr640=; no amino-acid change (threonine 640 retained).
Molecular consequence: synonymous variant.
Genome position (GRCh38, 1-based): chr1:169,544,351, G>A on the plus strand (C>T on the coding strand, the complement: F5 is on the minus strand). VCF-style: chr1-169544351-G-A. GRCh37 (hg19) VCF-style: chr1-169513589-G-A.
Identifiers: ClinVar variation 1782669 (VCV001782669.22), dbSNP rs9332598, ClinGen allele CA1234204.